The following is an entry in ClinVar:

ClinVar aggregate classification (germline): Uncertain significance (1 of 4 stars; one submission).

Submission:

Labcorp Genetics (formerly Invitae), Labcorp
Classification: Uncertain significance. Last evaluated: 2022-02-16. Review status: criteria provided, single submitter. Criteria: Invitae Variant Classification Sherloc (09022015). Collection method: clinical testing. Allele origin: germline.
Comment: Algorithms developed to predict the effect of missense changes on protein structure and function are either unavailable or do not agree on the potential impact of this missense change (SIFT: "Deleterious"; PolyPhen-2: "Probably Damaging"; Align-GVGD: "Class C0"). This variant has not been reported in the literature in individuals affected with ALPK1-related conditions. This variant is not present in population databases (gnomAD no frequency). This sequence change replaces valine, which is neutral and non-polar, with glycine, which is neutral and non-polar, at codon 192 of the ALPK1 protein (p.Val192Gly). In summary, the available evidence is currently insufficient to determine the role of this variant in disease. Therefore, it has been classified as a Variant of Uncertain Significance.

NM_025144.4(ALPK1):c.575T>G (p.Val192Gly)

Gene: ALPK1 (alpha kinase 1; plus strand). Cytogenetic location: 4q25.
Variant type: single nucleotide variant.
Coding change: c.575T>G on transcript NM_025144.4 (MANE Select); coding-DNA position 575, T replaced by G.
Protein change: p.Val192Gly; replaces valine 192 with glycine.
Molecular consequence: missense variant.
Genome position (GRCh38, 1-based): chr4:112,425,704, T>G. VCF-style: chr4-112425704-T-G. GRCh37 (hg19) VCF-style: chr4-113346860-T-G.
Other names: c.575T>G, p.Val192Gly (NM_001102406.2); c.341T>G, p.Val114Gly (NM_001253884.2); short protein forms V114G, V192G.
Identifiers: ClinVar variation 2090970 (VCV002090970.4), dbSNP rs2476493392, ClinGen allele CA357887443.